The following is an entry in ClinVar:

ClinVar aggregate classification (germline): Uncertain significance. Review status: criteria provided, multiple submitters, no conflicts (2 of 4 stars). 2 submissions from 2 submitters: Uncertain significance (2). Last evaluated 2024-10-24.

Allele frequency attached by ClinVar (database versions not stated): gnomAD 0.00001; ExAC 0.00002; gnomAD exomes 0.00002 and 0.00003; TOPMed 0.00002.
gnomAD v4.1: 38 of 1,614,098 alleles (0.0024%); highest among the groups gnomAD compares: Non-Finnish European, 0.0029%; no homozygotes.

Submissions (2):

Labcorp Genetics (formerly Invitae), Labcorp
Classification: Uncertain significance. Last evaluated: 2024-10-24. Review status: criteria provided, single submitter. Criteria: Invitae Variant Classification Sherloc (09022015). Collection method: clinical testing. Allele origin: germline.
Comment: This sequence change replaces valine, which is neutral and non-polar, with isoleucine, which is neutral and non-polar, at codon 174 of the SPARC protein (p.Val174Ile). This variant is present in population databases (rs753067229, gnomAD 0.005%). This variant has not been reported in the literature in individuals affected with SPARC-related conditions. ClinVar contains an entry for this variant (Variation ID: 1505029). Invitae Evidence Modeling of protein sequence and biophysical properties (such as structural, functional, and spatial information, amino acid conservation, physicochemical variation, residue mobility, and thermodynamic stability) indicates that this missense variant is not expected to disrupt SPARC protein function with a negative predictive value of 80%. In summary, the available evidence is currently insufficient to determine the role of this variant in disease. Therefore, it has been classified as a Variant of Uncertain Significance.

GeneDx
Classification: Uncertain significance. Last evaluated: 2022-12-09. Review status: criteria provided, single submitter. Criteria: GeneDx Variant Classification Process June 2021. Collection method: clinical testing. Allele origin: germline. Affected: yes.
Comment: In silico analysis supports that this missense variant does not alter protein structure/function; Has not been previously published as pathogenic or benign to our knowledge

NM_003118.4(SPARC):c.520G>A (p.Val174Ile)

Gene: SPARC (secreted protein acidic and cysteine rich; minus strand). Cytogenetic location: 5q33.1.
Variant type: single nucleotide variant.
Coding change: c.520G>A on transcript NM_003118.4 (MANE Select); coding-DNA position 520, G replaced by A.
Protein change: p.Val174Ile; replaces valine 174 with isoleucine.
Molecular consequence: missense variant.
Genome position (GRCh38, 1-based): chr5:151,667,532, C>T on the plus strand (G>A on the coding strand, the complement: SPARC is on the minus strand). VCF-style: chr5-151667532-C-T. GRCh37 (hg19) VCF-style: chr5-151047093-C-T.
Other names: c.517G>A, p.Val173Ile (NM_001309443.2); c.520G>A, p.Val174Ile (NM_001309444.2); c.520G>A (NM_003118.3); short protein forms V173I, V174I.
Identifiers: ClinVar variation 1505029 (VCV001505029.6), dbSNP rs753067229, ClinGen allele CA3522658.